The following is an entry in ClinVar:

ClinVar aggregate classification (germline): Uncertain significance (1 of 4 stars; one submission).

Conditions:
DOCK2 deficiency. Also called: Immunodeficiency 40. Identifiers: Orphanet 447737, MedGen C4225328, MONDO:0014637, OMIM 616433.

Allele frequency attached by ClinVar (database versions not stated): gnomAD exomes below 0.00001.
gnomAD v4.1: 5 of 1,614,066 alleles (0.00031%); highest among the groups gnomAD compares: South Asian, 0.0011%; no homozygotes.

Submission:

Labcorp Genetics (formerly Invitae), Labcorp
Classification: Uncertain significance for DOCK2 deficiency. Last evaluated: 2022-01-25. Review status: criteria provided, single submitter. Criteria: Invitae Variant Classification Sherloc (09022015). Collection method: clinical testing. Allele origin: germline.
Comment: In summary, the available evidence is currently insufficient to determine the role of this variant in disease. Therefore, it has been classified as a Variant of Uncertain Significance. Algorithms developed to predict the effect of missense changes on protein structure and function are either unavailable or do not agree on the potential impact of this missense change (SIFT: "Tolerated"; PolyPhen-2: "Probably Damaging"; Align-GVGD: "Class C0"). This variant has not been reported in the literature in individuals affected with DOCK2-related conditions. This variant is not present in population databases (gnomAD no frequency). This sequence change replaces arginine, which is basic and polar, with glutamine, which is neutral and polar, at codon 512 of the DOCK2 protein (p.Arg512Gln).

NM_004946.3(DOCK2):c.1535G>A (p.Arg512Gln)

Gene: DOCK2 (dedicator of cytokinesis 2; plus strand). Cytogenetic location: 5q35.1.
Variant type: single nucleotide variant.
Coding change: c.1535G>A on transcript NM_004946.3 (MANE Select); coding-DNA position 1535, G replaced by A.
Protein change: p.Arg512Gln; replaces arginine 512 with glutamine.
Molecular consequence: missense variant. On other transcripts: non-coding transcript variant (1).
Genome position (GRCh38, 1-based): chr5:169,711,987, G>A. VCF-style: chr5-169711987-G-A. GRCh37 (hg19) VCF-style: chr5-169138991-G-A.
Other names: short protein forms R512Q.
Identifiers: ClinVar variation 2417773 (VCV002417773.6), dbSNP rs2532615806, ClinGen allele CA362106855.